The following is an entry in ClinVar:

NM_020937.4(FANCM):c.1181A>G (p.Lys394Arg)

Gene: FANCM (FA complementation group M; plus strand). Cytogenetic location: 14q21.2.
Variant type: single nucleotide variant.
Coding change: c.1181A>G on transcript NM_020937.4 (MANE Select); coding-DNA position 1181, A replaced by G.
Protein change: p.Lys394Arg; replaces lysine 394 with arginine.
Molecular consequence: missense variant.
Genome position (GRCh38, 1-based): chr14:45,154,050, A>G. VCF-style: chr14-45154050-A-G. GRCh37 (hg19) VCF-style: chr14-45623253-A-G.
Other names: c.1103A>G, p.Lys368Arg (NM_001308133.2); c.1181A>G, p.Lys394Arg (NM_001308134.2); short protein forms K368R, K394R.
Identifiers: ClinVar variation 4871186 (VCV004871186.1).

ClinVar aggregate classification (germline): Uncertain significance (1 of 4 stars; one submission).

Conditions:
Inborn genetic diseases. Identifiers: MedGen C0950123, MeSH D030342.

Submission:

Ambry Genetics
Classification: Uncertain significance for Inborn genetic diseases. Last evaluated: 2026-06-09. Review status: criteria provided, single submitter. Criteria: Ambry Variant Classification Scheme 2023. Collection method: clinical testing. Allele origin: germline.
Comment: The p.K394R variant (also known as c.1181A>G), located in coding exon 6 of the FANCM gene, results from an A to G substitution at nucleotide position 1181. The lysine at codon 394 is replaced by arginine, an amino acid with highly similar properties. This amino acid position is conserved. In addition, this alteration is predicted to be tolerated by in silico analysis. Based on the available evidence, the clinical significance of this variant remains unclear.